The following is an entry in ClinVar:

NM_177438.3(DICER1):c.3850G>C (p.Gly1284Arg)

Gene: DICER1 (dicer 1, ribonuclease III; minus strand). Cytogenetic location: 14q32.13.
Variant type: single nucleotide variant.
Coding change: c.3850G>C on transcript NM_177438.3 (MANE Select); coding-DNA position 3850, G replaced by C.
Protein change: p.Gly1284Arg; replaces glycine 1284 with arginine.
Molecular consequence: missense variant. On other transcripts: non-coding transcript variant (6).
Genome position (GRCh38, 1-based): chr14:95,103,546, C>G on the plus strand (G>C on the coding strand, the complement: DICER1 is on the minus strand). VCF-style: chr14-95103546-C-G. GRCh37 (hg19) VCF-style: chr14-95569883-C-G.
Other names: c.3850G>C, p.Gly1284Arg (NM_001195573.1, NM_001271282.3, NM_001291628.2 and 13 more transcripts); c.3568G>C, p.Gly1190Arg (NM_001395686.1); c.3445G>C, p.Gly1149Arg (NM_001395687.1, NM_001395688.1, NM_001395689.1 and 2 more transcripts); c.3283G>C, p.Gly1095Arg (NM_001395691.1); c.2167G>C, p.Gly723Arg (NM_001395697.1); short protein forms G1095R, G1149R, G1190R, G1284R, G723R.
Identifiers: ClinVar variation 1713287 (VCV001713287.6), dbSNP rs2139957819, ClinGen allele CA390873313.
Genomic context (GRCh38, chr14:95,103,546, plus strand): 5'-ACAGAGTCAAAGCCTGAAGAATAAGTCCAGGATTGGGGCCAAGAGTCCTTGAGGAGTACC[C>G]AATAGAAGGGCTCTGCTCAGAATCCATCCTGCCCTTGAGCACTTGAATAGTGTCTGTCGT-3'
Protein context (NP_803187.1, residues 1274-1294): RMDSEQSPSI[Gly1284Arg]YSSRTLGPNP

ClinVar aggregate classification (germline): Uncertain significance (1 of 4 stars; one submission).

Conditions:
DICER1-related tumor predisposition. Also called: DICER1 syndrome; DICER1-related pleuropulmonary blastoma cancer predisposition syndrome. Identifiers: Orphanet 284343, MedGen C3839822, MONDO:0100216.

Submission:

Labcorp Genetics (formerly Invitae), Labcorp
Classification: Uncertain significance for DICER1-related tumor predisposition. Last evaluated: 2022-07-22. Review status: criteria provided, single submitter. Criteria: Invitae Variant Classification Sherloc (09022015). Collection method: clinical testing. Allele origin: germline.
Comment: This variant is not present in population databases (gnomAD no frequency). This variant has not been reported in the literature in individuals affected with DICER1-related conditions. Algorithms developed to predict the effect of missense changes on protein structure and function (SIFT, PolyPhen-2, Align-GVGD) all suggest that this variant is likely to be tolerated. This sequence change replaces glycine, which is neutral and non-polar, with arginine, which is basic and polar, at codon 1284 of the DICER1 protein (p.Gly1284Arg). In summary, the available evidence is currently insufficient to determine the role of this variant in disease. Therefore, it has been classified as a Variant of Uncertain Significance.